The following is an entry in ClinVar:

ClinVar aggregate classification (germline): Uncertain significance (1 of 4 stars; one submission).

Allele frequency attached by ClinVar (database versions not stated): ExAC 0.00001; gnomAD 0.00002; TOPMed 0.00002; ESP Exome Variant Server 0.00008.

Submission:

Labcorp Genetics (formerly Invitae), Labcorp
Classification: Uncertain significance. Last evaluated: 2022-06-30. Review status: criteria provided, single submitter. Criteria: Invitae Variant Classification Sherloc (09022015). Collection method: clinical testing. Allele origin: germline.
Comment: This sequence change replaces isoleucine, which is neutral and non-polar, with valine, which is neutral and non-polar, at codon 582 of the GNPAT protein (p.Ile582Val). This variant is present in population databases (rs369947859, gnomAD 0.008%). This variant has not been reported in the literature in individuals affected with GNPAT-related conditions. Algorithms developed to predict the effect of missense changes on protein structure and function (SIFT, PolyPhen-2, Align-GVGD) all suggest that this variant is likely to be tolerated. In summary, the available evidence is currently insufficient to determine the role of this variant in disease. Therefore, it has been classified as a Variant of Uncertain Significance.

NM_014236.4(GNPAT):c.1744A>G (p.Ile582Val)

Gene: GNPAT (glyceronephosphate O-acyltransferase; plus strand). Cytogenetic location: 1q42.2.
Variant type: single nucleotide variant.
Coding change: c.1744A>G on transcript NM_014236.4 (MANE Select); coding-DNA position 1744, A replaced by G.
Protein change: p.Ile582Val; replaces isoleucine 582 with valine.
Molecular consequence: missense variant.
Genome position (GRCh38, 1-based): chr1:231,275,221, A>G. VCF-style: chr1-231275221-A-G. GRCh37 (hg19) VCF-style: chr1-231410967-A-G.
Other names: c.1561A>G, p.Ile521Val (NM_001316350.2); short protein forms I521V, I582V.
Identifiers: ClinVar variation 2192101 (VCV002192101.1), dbSNP rs369947859, ClinGen allele CA1452122.